The following is an entry in ClinVar:

ClinVar aggregate classification (germline): Likely benign. Review status: criteria provided, single submitter (1 of 4 stars). 2 submissions from 2 submitters: Likely benign (1). 1 of the submissions does not count toward it. Last evaluated 2026-01-25.

Conditions:
Neuronal ceroid lipofuscinosis 13 (CLN13). Also called: CEROID LIPOFUSCINOSIS, NEURONAL, 13 (KUFS TYPE); CLN13 Disease. Identifiers: Orphanet 352709, Orphanet 79262, MedGen C3715049, MONDO:0014147, OMIM 615362.
CTSF-related disorder. Also called: CTSF-related condition.

Allele frequency attached by ClinVar (database versions not stated): gnomAD exomes 0.00004; gnomAD 0.00027; ExAC 0.00036; 1000 Genomes Project 30x 0.00047; TOPMed 0.00028; ESP Exome Variant Server 0.00023; 1000 Genomes Project 0.00040.
gnomAD v4.1: 93 of 1,561,414 alleles (0.006%); highest among the groups gnomAD compares: African/African-American, 0.092%; no homozygotes.

Submissions (2):

Labcorp Genetics (formerly Invitae), Labcorp
Classification: Likely benign for Neuronal ceroid lipofuscinosis 13. Last evaluated: 2026-01-25. Review status: criteria provided, single submitter. Criteria: Invitae Variant Classification Sherloc (09022015). Collection method: clinical testing. Allele origin: germline.

PreventionGenetics, part of Exact Sciences
Classification: Likely benign for CTSF-related condition. Last evaluated: 2019-08-08. Review status: no assertion criteria provided. Collection method: clinical testing. Allele origin: germline. Not counted in ClinVar's aggregate classification.
Comment: This variant is classified as likely benign based on ACMG/AMP sequence variant interpretation guidelines (Richards et al. 2015 PMID: 25741868, with internal and published modifications).

NM_003793.4(CTSF):c.1314C>T (p.Tyr438=)

Gene: CTSF (cathepsin F; minus strand). Cytogenetic location: 11q13.2.
Variant type: single nucleotide variant.
Coding change: c.1314C>T on transcript NM_003793.4 (MANE Select); coding-DNA position 1314, C replaced by T.
Protein change: p.Tyr438=; no amino-acid change (tyrosine 438 retained).
Molecular consequence: synonymous variant.
Genome position (GRCh38, 1-based): chr11:66,564,565, G>A on the plus strand (C>T on the coding strand, the complement: CTSF is on the minus strand). VCF-style: chr11-66564565-G-A. GRCh37 (hg19) VCF-style: chr11-66332036-G-A.
Other names: c.1314C>T (NM_003793.3).
Identifiers: ClinVar variation 2713142 (VCV002713142.5), dbSNP rs149687246, ClinGen allele CA6125243.